The following is an entry in ClinVar:

NM_001184880.2(PCDH19):c.340G>C (p.Val114Leu)

Gene: PCDH19 (protocadherin 19; minus strand). Cytogenetic location: Xq22.1.
Variant type: single nucleotide variant.
Coding change: c.340G>C on transcript NM_001184880.2 (MANE Select); coding-DNA position 340, G replaced by C.
Protein change: p.Val114Leu; replaces valine 114 with leucine.
Molecular consequence: missense variant.
Genome position (GRCh38, 1-based): chrX:100,408,258, C>G on the plus strand (G>C on the coding strand, the complement: PCDH19 is on the minus strand). VCF-style: chrX-100408258-C-G. GRCh37 (hg19) VCF-style: chrX-99663256-C-G.
Other names: c.340G>C, p.Val114Leu (NM_001105243.2, NM_020766.3); short protein forms V114L.
Identifiers: ClinVar variation 3636305 (VCV003636305.2).
Genomic context (GRCh38, chrX:100,408,258, plus strand): 5'-TCTGTGCTGCCGGGAAACTGGGCGCATTGTCGTTCAGGTCCTTGATCTCCACCTTTATCA[C>G]GCAGATTTCCATTGAGCTGGACATGACCTCGAGCGAGATGATGCACTTGGGGCTCTGGCG-3'
Protein context (NP_001171809.1, residues 104-124): EVMSSSMEIC[Val114Leu]IKVEIKDLND

ClinVar aggregate classification (germline): Uncertain significance (1 of 4 stars; one submission).

Conditions:
Developmental and epileptic encephalopathy, 9 (DEE9). Also called: Early infantile epileptic encephalopathy 9; EPILEPSY, FEMALE-RESTRICTED, WITH MENTAL RETARDATION; PCDH19-Related X-Linked Female-Limited Epilepsy with Mental Retardation; JUBERG-HELLMAN SYNDROME. Identifiers: Orphanet 101039, Orphanet 2076, MedGen C1848137, MONDO:0010246, OMIM 300088. Disease mechanism: loss of function.

gnomAD v4.1: 1 of 1,211,720 alleles (0.000083%); highest among the groups gnomAD compares: East Asian, 0.003%; no homozygotes.

Submission:

Labcorp Genetics (formerly Invitae), Labcorp
Classification: Uncertain significance for Developmental and epileptic encephalopathy, 9. Last evaluated: 2024-12-19. Review status: criteria provided, single submitter. Criteria: Invitae Variant Classification Sherloc (09022015). Collection method: clinical testing. Allele origin: germline.
Comment: This sequence change replaces valine, which is neutral and non-polar, with leucine, which is neutral and non-polar, at codon 114 of the PCDH19 protein (p.Val114Leu). This variant is present in population databases (rs751708323, gnomAD 0.008%). This variant has not been reported in the literature in individuals affected with PCDH19-related conditions. Invitae Evidence Modeling of protein sequence and biophysical properties (such as structural, functional, and spatial information, amino acid conservation, physicochemical variation, residue mobility, and thermodynamic stability) indicates that this missense variant is not expected to disrupt PCDH19 protein function with a negative predictive value of 95%. In summary, the available evidence is currently insufficient to determine the role of this variant in disease. Therefore, it has been classified as a Variant of Uncertain Significance.